The following is an entry in ClinVar:

NM_001197104.2(KMT2A):c.6214T>C (p.Cys2072Arg)

Gene: KMT2A (lysine methyltransferase 2A; plus strand). Cytogenetic location: 11q23.3.
Variant type: single nucleotide variant.
Coding change: c.6214T>C on transcript NM_001197104.2 (MANE Select); coding-DNA position 6214, T replaced by C.
Protein change: p.Cys2072Arg; replaces cysteine 2072 with arginine.
Molecular consequence: missense variant.
Genome position (GRCh38, 1-based): chr11:118,501,042, T>C. VCF-style: chr11-118501042-T-C. GRCh37 (hg19) VCF-style: chr11-118371757-T-C.
Other names: c.6304T>C, p.Cys2102Arg (NM_001412597.1); c.6205T>C, p.Cys2069Arg (NM_005933.4); short protein forms C2069R, C2072R, C2102R.
Identifiers: ClinVar variation 3337230 (VCV003337230.2).

ClinVar aggregate classification (germline): Likely pathogenic. Review status: criteria provided, multiple submitters, no conflicts (2 of 4 stars). 2 submissions from 2 submitters: Likely pathogenic (2). Last evaluated 2025-08-27.

Conditions:
Wiedemann-Steiner syndrome (WDSTS). Also called: Growth deficiency and mental retardation with facial dysmorphism. Identifiers: Orphanet 319182, MedGen C1854630, MONDO:0011518, OMIM 605130.

Submissions (2):

3billion
Classification: Likely pathogenic for Wiedemann-Steiner syndrome. Last evaluated: 2025-08-27. Review status: criteria provided, single submitter. Criteria: ACMG Guidelines, 2015. Collection method: clinical testing. Allele origin: germline. Affected: yes.
Comment: The variant is not observed in the gnomAD v4.1.0 dataset. Predicted Consequence/Location: Missense variant In silico tool predictions suggest damaging effect of the variant on gene or gene product [REVEL: 0.94 (>=0.6, sensitivity 0.68 and specificity 0.92); 3Cnet: 0.92 (> 0.75, sensitivity 0.96 and precision 0.92)]. The same nucleotide change resulting in the same amino acid change has been previously reported to be associated with KMT2A-related disorder (ClinVar ID: VCV003337230 /PMID: 34006472).The variant has been previously reported as de novo in a similarly affected individual (PMID: 34006472). Therefore, this variant is classified as Likely pathogenic according to the recommendation of ACMG/AMP guideline.

Clinical Genetics Laboratory, Skane University Hospital Lund
Classification: Likely pathogenic. Last evaluated: 2022-05-27. Review status: criteria provided, single submitter. Criteria: ACMG Guidelines, 2015. Collection method: clinical testing. Allele origin: germline. Affected: yes.

Literature cited by the submitters: PubMed 34006472 (cited by 3billion).